The following is an entry in ClinVar:

NM_000540.3(RYR1):c.7763G>C (p.Arg2588Pro)

Gene: RYR1 (ryanodine receptor 1; plus strand). Cytogenetic location: 19q13.2.
Variant type: single nucleotide variant.
Coding change: c.7763G>C on transcript NM_000540.3 (MANE Select); coding-DNA position 7763, G replaced by C.
Protein change: p.Arg2588Pro; replaces arginine 2588 with proline.
Molecular consequence: missense variant.
Genome position (GRCh38, 1-based): chr19:38,502,655, G>C. VCF-style: chr19-38502655-G-C. GRCh37 (hg19) VCF-style: chr19-38993295-G-C.
Other names: c.7763G>C, p.Arg2588Pro (NM_001042723.2); short protein forms R2588P.
Identifiers: ClinVar variation 2714991 (VCV002714991.3), dbSNP rs753507343, ClinGen allele CA405672005.

ClinVar aggregate classification (germline): Uncertain significance (1 of 4 stars; one submission).

Conditions:
RYR1-related disorder. Also called: RYR1-related condition; RYR1-related disorders. Identifiers: MedGen CN239331.

gnomAD v4.1: 4 of 1,612,382 alleles (0.00025%); highest among the groups gnomAD compares: Non-Finnish European, 0.00034%; no homozygotes.

Submission:

Labcorp Genetics (formerly Invitae), Labcorp
Classification: Uncertain significance for RYR1-related disorder. Last evaluated: 2023-12-19. Review status: criteria provided, single submitter. Criteria: Invitae Variant Classification Sherloc (09022015). Collection method: clinical testing. Allele origin: germline.
Comment: This sequence change replaces arginine, which is basic and polar, with proline, which is neutral and non-polar, at codon 2588 of the RYR1 protein (p.Arg2588Pro). This variant is not present in population databases (gnomAD no frequency). This variant has not been reported in the literature in individuals affected with RYR1-related conditions. Advanced modeling of protein sequence and biophysical properties (such as structural, functional, and spatial information, amino acid conservation, physicochemical variation, residue mobility, and thermodynamic stability) performed at Invitae indicates that this missense variant is expected to disrupt RYR1 protein function with a positive predictive value of 95%. In summary, the available evidence is currently insufficient to determine the role of this variant in disease. Therefore, it has been classified as a Variant of Uncertain Significance.